The following is an entry in ClinVar:

NM_198904.4(GABRG2):c.985del (p.Val329fs)

Gene: GABRG2 (gamma-aminobutyric acid type A receptor subunit gamma2; plus strand). Cytogenetic location: 5q34.
Variant type: Deletion.
Coding change: c.985del on transcript NM_198904.4 (MANE Select); coding-DNA position 985, one base deleted (G; older notation c.985delG).
Protein change: p.Val329fs; shifts the reading frame from valine 329.
Molecular consequence: frameshift variant. On other transcripts: intron variant (1).
Genome position (GRCh38, 1-based): chr5:162,149,170, G deleted; the last of 2 consecutive G bases (chr5:162,149,169-162,149,170); deleting either gives the same sequence. VCF-style (leftmost placement, unchanged base first): chr5-162149168-AG-A. GRCh37 (hg19) VCF-style: chr5-161576174-AG-A.
Other names: c.985del, p.Val329fs (NM_000816.3); c.976del, p.Val326fs (NM_001375339.1); c.982del, p.Val328fs (NM_001375341.1, NM_001375342.1); c.1105del, p.Val369fs (NM_001375343.1, NM_198903.2); c.1024del, p.Val342fs (NM_001375344.1); c.919del, p.Val307fs (NM_001375345.1, NM_001375346.1); c.898del, p.Val300fs (NM_001375347.1); c.565del, p.Val189fs (NM_001375348.1, NM_001375350.1); and 2 more; short protein forms V189fs, V234fs, V300fs, V307fs, V326fs, V328fs, V329fs, V342fs.
Identifiers: ClinVar variation 3342930 (VCV003342930.1).
Genomic context (GRCh38, chr5:162,149,168, plus strand): 5'-GTATCACCACTGTCCTGACAATGACCACCCTCAGCACCATTGCCCGGAAATCGCTCCCCA[AG>A]GTCTCCTATGTCACAGCGATGGATCTCTTTGTATCTGTTTGTTTCATCTTTGTCTTCTCT-3'

ClinVar aggregate classification (germline): Likely pathogenic (1 of 4 stars; one submission).

Submission:

GeneDx
Classification: Likely pathogenic. Last evaluated: 2023-12-21. Review status: criteria provided, single submitter. Criteria: GeneDx Variant Classification Process June 2021. Collection method: clinical testing. Allele origin: germline. Affected: yes.
Comment: Frameshift variant predicted to result in protein truncation, as the last 139 amino acids are replaced with 62 different amino acids, and other loss-of-function variants have been reported downstream in HGMD; Not observed at significant frequency in large population cohorts (gnomAD); Has not been previously published as pathogenic or benign to our knowledge